The following is an entry in ClinVar:

ClinVar aggregate classification (germline): Likely pathogenic. Review status: criteria provided, multiple submitters, no conflicts (2 of 4 stars). 4 submissions from 4 submitters: Likely pathogenic (4). Last evaluated 2026-07-17.

Conditions:
Familial adenomatous polyposis 4 (FAP4). Also called: MSH3-related attenuated familial adenomatous polyposis. Identifiers: Orphanet 480536, MedGen C4310719, MONDO:0044300, OMIM 617100.
Hereditary cancer-predisposing syndrome. Also called: Neoplastic Syndromes, Hereditary; Hereditary Cancer Syndrome; Hereditary neoplastic syndrome; Tumor predisposition. Identifiers: Orphanet 140162, MedGen C0027672, MeSH D009386, MONDO:0015356.
Endometrial carcinoma. Also called: Endometrial carcinoma, somatic. Identifiers: MedGen C0476089, MONDO:0002447, OMIM 608089, HP:0012114.

Submissions (4):

Ambry Genetics
Classification: Likely pathogenic for Hereditary cancer-predisposing syndrome. Last evaluated: 2026-07-17. Review status: criteria provided, single submitter. Criteria: Ambry Variant Classification Scheme 2023. Collection method: clinical testing. Allele origin: germline.
Comment: The c.2655+1G>A intronic variant results from a G to A substitution one nucleotide after coding exon 19 of the MSH3 gene. This alteration has been detected in a cohort of 10,478 adults undergoing proactive genetic screening of up to 147 genes (Haverfield EV et al. BMC Med, 2021 08;19:199). This variant is considered to be rare based on population cohorts in the Genome Aggregation Database (gnomAD). This nucleotide position is highly conserved in available vertebrate species. In silico splice site analysis predicts that this alteration will weaken the native splice donor site; however, direct evidence is insufficient at this time (Ambry internal data). In addition to the clinical data presented in the literature, alterations that disrupt the canonical splice site are expected to cause aberrant splicing, resulting in an abnormal protein or a transcript that is subject to nonsense-mediated mRNA decay. As such, this alteration is classified as likely pathogenic.

Labcorp Genetics (formerly Invitae), Labcorp
Classification: Likely pathogenic. Last evaluated: 2025-07-23. Review status: criteria provided, single submitter. Criteria: Invitae Variant Classification Sherloc (09022015). Collection method: clinical testing. Allele origin: germline.
Comment: This sequence change affects a donor splice site in intron 19 of the MSH3 gene. It is expected to disrupt RNA splicing. Variants that disrupt the donor or acceptor splice site typically lead to a loss of protein function (PMID: 16199547), and loss-of-function variants in MSH3 are known to be pathogenic (PMID: 27476653, 37402566). This variant is not present in population databases (gnomAD no frequency). This variant has not been reported in the literature in individuals affected with MSH3-related conditions. ClinVar contains an entry for this variant (Variation ID: 661178). Algorithms developed to predict the effect of sequence changes on RNA splicing suggest that this variant may disrupt the consensus splice site. In summary, the currently available evidence indicates that the variant is pathogenic, but additional data are needed to prove that conclusively. Therefore, this variant has been classified as Likely Pathogenic.

Baylor Genetics
Classification: Likely pathogenic for Endometrial carcinoma. Last evaluated: 2023-06-08. Review status: criteria provided, single submitter. Criteria: ACMG Guidelines, 2015. Collection method: clinical testing. Allele origin: unknown.

Myriad Genetics, Inc.
Classification: Likely pathogenic for Familial adenomatous polyposis 4. Last evaluated: 2023-03-01. Review status: criteria provided, single submitter. Criteria: Myriad Autosomal Dominant, Autosomal Recessive and X-Linked Classification Criteria (2023). Collection method: clinical testing. Allele origin: unknown.
Comment: This variant is considered likely pathogenic. This variant occurs within a consensus splice junction and is predicted to result in abnormal mRNA splicing of either an out-of-frame exon or an in-frame exon necessary for protein stability and/or normal function.

Literature cited by the submitters: PubMed 34404389 (cited by Ambry Genetics); PubMed 16199547 (cited by Labcorp Genetics (formerly Invitae), Labcorp); PubMed 27476653 (cited by Labcorp Genetics (formerly Invitae), Labcorp); PubMed 37402566 (cited by Labcorp Genetics (formerly Invitae), Labcorp).

NM_002439.5(MSH3):c.2655+1G>A

Gene: MSH3 (mutS homolog 3; plus strand). Cytogenetic location: 5q14.1.
Variant type: single nucleotide variant.
Coding change: c.2655+1G>A on transcript NM_002439.5 (MANE Select); the canonical splice donor site of the intron after coding-DNA position 2655, G replaced by A.
Molecular consequence: splice donor variant.
Genome position (GRCh38, 1-based): chr5:80,792,845, G>A. VCF-style: chr5-80792845-G-A. GRCh37 (hg19) VCF-style: chr5-80088664-G-A.
Identifiers: ClinVar variation 661178 (VCV000661178.14), dbSNP rs1580053768, ClinGen allele CA360273072.